The following is an entry in ClinVar:

ClinVar aggregate classification (germline): Uncertain significance (1 of 4 stars; one submission).

Submission:

GeneDx
Classification: Uncertain significance. Last evaluated: 2019-07-25. Review status: criteria provided, single submitter. Criteria: GeneDx Variant Classification Process June 2021. Collection method: clinical testing. Allele origin: germline. Affected: yes.
Comment: Has not been previously published as pathogenic or benign to our knowledge; Not observed in large population cohorts (Lek et al., 2016); In silico analysis, which includes protein predictors and evolutionary conservation, supports a deleterious effect

NM_017617.5(NOTCH1):c.6476G>T (p.Arg2159Leu)

Gene: NOTCH1 (notch receptor 1; minus strand). Cytogenetic location: 9q34.3.
Variant type: single nucleotide variant.
Coding change: c.6476G>T on transcript NM_017617.5 (MANE Select); coding-DNA position 6476, G replaced by T.
Protein change: p.Arg2159Leu; replaces arginine 2159 with leucine.
Molecular consequence: missense variant.
Genome position (GRCh38, 1-based): chr9:136,497,263, C>A on the plus strand (G>T on the coding strand, the complement: NOTCH1 is on the minus strand). VCF-style: chr9-136497263-C-A. GRCh37 (hg19) VCF-style: chr9-139391715-C-A.
Other names: short protein forms R2159L.
Identifiers: ClinVar variation 1307437 (VCV001307437.2), dbSNP rs1060502233, ClinGen allele CA375631574.